The following is an entry in ClinVar:

NM_006206.6(PDGFRA):c.1357A>G (p.Ile453Val)

Gene: PDGFRA (platelet derived growth factor receptor alpha; plus strand). Cytogenetic location: 4q12.
Variant type: single nucleotide variant.
Coding change: c.1357A>G on transcript NM_006206.6 (MANE Select); coding-DNA position 1357, A replaced by G.
Protein change: p.Ile453Val; replaces isoleucine 453 with valine.
Molecular consequence: missense variant.
Genome position (GRCh38, 1-based): chr4:54,272,513, A>G. VCF-style: chr4-54272513-A-G. GRCh37 (hg19) VCF-style: chr4-55138680-A-G.
Other names: c.1357A>G, p.Ile453Val (NM_001347827.2, NM_001347829.2); c.1432A>G, p.Ile478Val (NM_001347828.2); c.1396A>G, p.Ile466Val (NM_001347830.2); short protein forms I453V, I466V, I478V.
Identifiers: ClinVar variation 407443 (VCV000407443.12), dbSNP rs587778603, ClinGen allele CA16611477.

ClinVar aggregate classification (germline): Uncertain significance. Review status: criteria provided, multiple submitters, no conflicts (2 of 4 stars). 4 submissions from 4 submitters: Uncertain significance (4). Last evaluated 2025-12-07.

Conditions:
Polyps, multiple and recurrent inflammatory fibroid, gastrointestinal. Identifiers: MedGen C5193005, MONDO:0008285, OMIM 175510.
Hereditary cancer-predisposing syndrome. Also called: Neoplastic Syndromes, Hereditary; Hereditary Cancer Syndrome; Hereditary neoplastic syndrome; Tumor predisposition. Identifiers: Orphanet 140162, MedGen C0027672, MeSH D009386, MONDO:0015356.
Gastrointestinal stromal tumor. Also called: Gastrointestinal stroma tumor; Gastrointestinal stromal tumor, somatic. Identifiers: Orphanet 44890, MedGen C0238198, MeSH D046152, MONDO:0011719, OMIM 606764, HP:0100723.

Allele frequency attached by ClinVar (database versions not stated): TOPMed below 0.00001.
gnomAD v4.1: 14 of 1,613,972 alleles (0.00087%); highest among the groups gnomAD compares: Non-Finnish European, 0.0011%; no homozygotes.

Submissions (4):

Ambry Genetics
Classification: Uncertain significance for Hereditary cancer-predisposing syndrome. Last evaluated: 2025-12-07. Review status: criteria provided, single submitter. Criteria: Ambry Variant Classification Scheme 2023. Collection method: clinical testing. Allele origin: germline.
Comment: The p.I453V variant (also known as c.1357A>G), located in coding exon 8 of the PDGFRA gene, results from an A to G substitution at nucleotide position 1357. The isoleucine at codon 453 is replaced by valine, an amino acid with highly similar properties. This amino acid position is conserved. In addition, the in silico prediction for this alteration is inconclusive. Since supporting evidence is limited at this time, the clinical significance of this alteration remains unclear.

Labcorp Genetics (formerly Invitae), Labcorp
Classification: Uncertain significance for Gastrointestinal stromal tumor. Last evaluated: 2024-11-20. Review status: criteria provided, single submitter. Criteria: Invitae Variant Classification Sherloc (09022015). Collection method: clinical testing. Allele origin: germline.
Comment: This sequence change replaces isoleucine, which is neutral and non-polar, with valine, which is neutral and non-polar, at codon 453 of the PDGFRA protein (p.Ile453Val). This variant is not present in population databases (gnomAD no frequency). This variant has not been reported in the literature in individuals affected with PDGFRA-related conditions. ClinVar contains an entry for this variant (Variation ID: 407443). Invitae Evidence Modeling of protein sequence and biophysical properties (such as structural, functional, and spatial information, amino acid conservation, physicochemical variation, residue mobility, and thermodynamic stability) indicates that this missense variant is not expected to disrupt PDGFRA protein function with a negative predictive value of 80%. In summary, the available evidence is currently insufficient to determine the role of this variant in disease. Therefore, it has been classified as a Variant of Uncertain Significance.

Baylor Genetics
Classification: Uncertain significance for Polyps, multiple and recurrent inflammatory fibroid, gastrointestinal. Last evaluated: 2023-05-02. Review status: criteria provided, single submitter. Criteria: ACMG Guidelines, 2015. Collection method: clinical testing. Allele origin: unknown.

GeneDx
Classification: Uncertain significance. Last evaluated: 2022-12-20. Review status: criteria provided, single submitter. Criteria: GeneDx Variant Classification Process June 2021. Collection method: clinical testing. Allele origin: germline. Affected: yes.
Comment: Not observed at significant frequency in large population cohorts (gnomAD); In silico analysis supports that this missense variant does not alter protein structure/function; Has not been previously published as pathogenic or benign to our knowledge